The following is an entry in ClinVar:

ClinVar aggregate classification (germline): Uncertain significance (1 of 4 stars; one submission).

Conditions:
Alpha thalassemia-X-linked intellectual disability syndrome (ATRX). Also called: ALPHA-THALASSEMIA/MENTAL RETARDATION SYNDROME, X-LINKED; ATR, NONDELETION TYPE; ATR-X syndrome; Alpha thalassemia mental retardation syndrome, nondeletion type, X-linked; XLMR hypotonic face syndrome; X-linked alpha-thalassemia-mental retardation syndrome. Identifiers: Orphanet 847, MedGen C1845055, MONDO:0010519, OMIM 301040.

Submission:

OLLIN Analises Genomicas, OLLIN
Classification: Uncertain significance for Alpha thalassemia-X-linked intellectual disability syndrome. Last evaluated: 2026-08-06. Review status: criteria provided, single submitter. Criteria: ACMG Guidelines 2015 PMID 25741868. Collection method: clinical testing. Allele origin: germline.
Comment: This missense variant, located in exon 9 (of 35), is absent from gnomAD and has not been identified in the literature. However, it has been reported in ClinVar (accession VCV002815773.3). In silico analysis predicts that this variant has a tolerated effect. According to the currently available evidence, this variant has been classified as uncertain significance (PM2_P, BP4).

NM_000489.6(ATRX):c.1411A>C (p.Ser471Arg)

Gene: ATRX (ATRX chromatin remodeler; minus strand). Cytogenetic location: Xq21.1.
Variant type: single nucleotide variant.
Coding change: c.1411A>C on transcript NM_000489.6 (MANE Select); coding-DNA position 1411, A replaced by C.
Protein change: p.Ser471Arg; replaces serine 471 with arginine.
Molecular consequence: missense variant.
Genome position (GRCh38, 1-based): chrX:77,683,845, T>G on the plus strand (A>C on the coding strand, the complement: ATRX is on the minus strand). VCF-style: chrX-77683845-T-G. GRCh37 (hg19) VCF-style: chrX-76939337-T-G.
Other names: c.1297A>C, p.Ser433Arg (NM_138270.5); short protein forms S433R, S471R.
Identifiers: ClinVar variation 5002903 (VCV005002903.1).
Genomic context (GRCh38, chrX:77,683,845, plus strand): 5'-CACCGGTACTTTTATTTGTTCTTTGTTCCTCTGTTGGAACATTCTGATGCATGTGCTCAC[T>G]ATCTACCTGTTTTCTTGAAAGTTTAGCTTCTGACTTTGAAATATCCTTCTTTTCCAAAGC-3'
Protein context (NP_000480.3, residues 461-481): EAKLSRKQVD[Ser471Arg]EHMHQNVPTE